The following is an entry in ClinVar:

ClinVar aggregate classification (germline): Likely benign (1 of 4 stars; one submission).

Submission:

CeGaT Center for Human Genetics Tuebingen
Classification: Likely benign. Last evaluated: 2026-01-01. Review status: criteria provided, single submitter. Criteria: CeGaT Center For Human Genetics Tuebingen Variant Classification Criteria Version 2. Collection method: clinical testing. Allele origin: germline. Affected: yes. Observed: 1 variant allele.
Comment: H3C2: BP4, BS1

NM_003537.4(H3C2):c.184C>T (p.Leu62=)

Genes: H3C2 (H3 clustered histone 2; minus strand), LOC129996006 (ATAC-STARR-seq lymphoblastoid active region 24179; plus strand). Cytogenetic location: 6p22.2.
Variant type: single nucleotide variant.
Coding change: c.184C>T on transcript NM_003537.4 (MANE Select); coding-DNA position 184, C replaced by T.
Protein change: p.Leu62=; no amino-acid change (leucine 62 retained).
Molecular consequence: synonymous variant.
Genome position (GRCh38, 1-based): chr6:26,031,877, G>A on the plus strand (C>T on the coding strand, the complement: H3C2 is on the minus strand). VCF-style: chr6-26031877-G-A. GRCh37 (hg19) VCF-style: chr6-26032105-G-A.
Identifiers: ClinVar variation 4820908 (VCV004820908.4).